The following is an entry in ClinVar:

ClinVar aggregate classification (germline): Uncertain significance (1 of 4 stars; one submission).

Submission:

GeneDx
Classification: Uncertain significance. Last evaluated: 2019-06-12. Review status: criteria provided, single submitter. Criteria: GeneDx Variant Classification Process June 2021. Collection method: clinical testing. Allele origin: germline. Affected: yes.
Comment: Not observed in large population cohorts (Lek et al., 2016); Missense variants in this gene are often considered pathogenic (Stenson et al., 2014); In silico analysis, which includes protein predictors and evolutionary conservation, supports a deleterious effect; Has not been previously published as pathogenic or benign to our knowledge; This substitution is predicted to be within the C-terminal cytoplasmic domain

NM_001165963.4(SCN1A):c.6021A>T (p.Lys2007Asn)

Genes: SCN1A (sodium voltage-gated channel alpha subunit 1; minus strand), LOC102724058 (uncharacterized LOC102724058; plus strand). Cytogenetic location: 2q24.3.
Variant type: single nucleotide variant.
Coding change: c.6021A>T on transcript NM_001165963.4 (MANE Select); coding-DNA position 6021, A replaced by T.
Protein change: p.Lys2007Asn; replaces lysine 2007 with asparagine.
Molecular consequence: missense variant. On other transcripts: non-coding transcript variant (1).
Genome position (GRCh38, 1-based): chr2:165,991,254, T>A on the plus strand (A>T on the coding strand, the complement: SCN1A is on the minus strand). VCF-style: chr2-165991254-T-A. GRCh37 (hg19) VCF-style: chr2-166847764-T-A.
Other names: c.5937A>T, p.Lys1979Asn (NM_001165964.3, NM_001353957.2, NM_001353958.2); c.6021A>T, p.Lys2007Asn (NM_001202435.3, NM_001353948.2); c.5988A>T, p.Lys1996Asn (NM_001353949.2, NM_001353950.2, NM_001353951.2 and 2 more transcripts); c.5985A>T, p.Lys1995Asn (NM_001353954.2, NM_001353955.2); c.5934A>T, p.Lys1978Asn (NM_001353960.2); c.3579A>T, p.Lys1193Asn (NM_001353961.2); short protein forms K1193N, K1978N, K1979N, K1995N, K1996N, K2007N.
Identifiers: ClinVar variation 1306292 (VCV001306292.2), dbSNP rs2105420299, ClinGen allele CA349062884.